The following is an entry in ClinVar:

NM_017837.4(PIGV):c.920T>C (p.Ile307Thr)

Gene: PIGV (phosphatidylinositol glycan anchor biosynthesis class V; plus strand). Cytogenetic location: 1p36.11.
Variant type: single nucleotide variant.
Coding change: c.920T>C on transcript NM_017837.4 (MANE Select); coding-DNA position 920, T replaced by C.
Protein change: p.Ile307Thr; replaces isoleucine 307 with threonine.
Molecular consequence: missense variant. On other transcripts: non-coding transcript variant (1), intron variant (1).
Genome position (GRCh38, 1-based): chr1:26,794,954, T>C. VCF-style: chr1-26794954-T-C. GRCh37 (hg19) VCF-style: chr1-27121445-T-C.
Other names: c.920T>C, p.Ile307Thr (NM_001202554.2, NM_001374478.1, NM_001374480.1 and 2 more transcripts); c.539T>C, p.Ile180Thr (NM_001374483.1); c.293T>C, p.Ile98Thr (NM_001374484.1, NM_001374485.1); c.79-2609T>C (NM_001374486.1); short protein forms I307T, I180T, I98T.
Identifiers: ClinVar variation 1481331 (VCV001481331.6), dbSNP rs370558069, ClinGen allele CA708140.

ClinVar aggregate classification (germline): Uncertain significance (1 of 4 stars; one submission).

Allele frequency attached by ClinVar (database versions not stated): ESP Exome Variant Server 0.00008.

Submission:

Labcorp Genetics (formerly Invitae), Labcorp
Classification: Uncertain significance. Last evaluated: 2022-03-13. Review status: criteria provided, single submitter. Criteria: Invitae Variant Classification Sherloc (09022015). Collection method: clinical testing. Allele origin: germline.
Comment: This sequence change replaces isoleucine, which is neutral and non-polar, with threonine, which is neutral and polar, at codon 307 of the PIGV protein (p.Ile307Thr). This variant is present in population databases (rs370558069, gnomAD 0.002%). This variant has not been reported in the literature in individuals affected with PIGV-related conditions. Algorithms developed to predict the effect of missense changes on protein structure and function (SIFT, PolyPhen-2, Align-GVGD) all suggest that this variant is likely to be disruptive. In summary, the available evidence is currently insufficient to determine the role of this variant in disease. Therefore, it has been classified as a Variant of Uncertain Significance.